The following is an entry in ClinVar:

ClinVar aggregate classification (germline): Likely benign. Review status: criteria provided, multiple submitters, no conflicts (2 of 4 stars). 2 submissions from 2 submitters: Likely benign (2). Last evaluated 2023-04-28.

Conditions:
Cardiomyopathy (CMYO). Also called: Cardiomyopathies. Identifiers: Orphanet 167848, MedGen C0878544, MONDO:0004994, HP:0001638. Inheritance: Various modes of inheritance.
Arrhythmogenic right ventricular dysplasia 5. Also called: Arrhythmogenic Right Ventricular Dysplasia/Cardiomyopathy 5; ARRHYTHMOGENIC RIGHT VENTRICULAR DYSPLASIA, FAMILIAL, 5. Identifiers: MedGen C1858379, MONDO:0011459, OMIM 604400.

Submissions (2):

All of Us Research Program, National Institutes of Health
Classification: Likely benign for Arrhythmogenic right ventricular dysplasia 5. Last evaluated: 2023-04-28. Review status: criteria provided, single submitter. Criteria: ACMG Guidelines, 2015. Collection method: clinical testing. Allele origin: germline. Inheritance: Autosomal dominant inheritance. Observed: 1 variant allele, 1 heterozygote.
Comment: This study involves interpretation of variants in research participants for the purpose of population health screening. Participant phenotype was not available at the time of variant classification. Additional details can be found in publication PMID: 35346344, PMCID: PMC8962531

Color Diagnostics, LLC DBA Color Health
Classification: Likely benign for Cardiomyopathy. Last evaluated: 2018-11-20. Review status: criteria provided, single submitter. Criteria: ACMG Guidelines, 2015. Collection method: clinical testing. Allele origin: germline.

NM_024334.3(TMEM43):c.512+3G>A

Gene: TMEM43 (transmembrane protein 43; plus strand). Cytogenetic location: 3p25.1.
Variant type: single nucleotide variant.
Coding change: c.512+3G>A on transcript NM_024334.3 (MANE Select); 3 bases into the intron after coding-DNA position 512, G replaced by A.
Molecular consequence: intron variant.
Genome position (GRCh38, 1-based): chr3:14,132,938, G>A. VCF-style: chr3-14132938-G-A. GRCh37 (hg19) VCF-style: chr3-14174438-G-A.
Identifiers: ClinVar variation 927853 (VCV000927853.3), dbSNP rs754209349, ClinGen allele CA913188046.